The following is an entry in ClinVar:

NM_033337.3(CAV3):c.182G>A (p.Ser61Asn)

Genes: CAV3 (caveolin 3; plus strand), OXTR (oxytocin receptor; minus strand). Cytogenetic location: 3p25.3.
Variant type: single nucleotide variant.
Coding change: c.182G>A on transcript NM_033337.3 (MANE Select); coding-DNA position 182, G replaced by A.
Protein change: p.Ser61Asn; replaces serine 61 with asparagine.
Molecular consequence: missense variant.
Genome position (GRCh38, 1-based): chr3:8,745,593, G>A. VCF-style: chr3-8745593-G-A. GRCh37 (hg19) VCF-style: chr3-8787279-G-A.
Other names: c.182G>A, p.Ser61Asn (NM_001234.5); short protein forms S61N.
Identifiers: ClinVar variation 409254 (VCV000409254.27), dbSNP rs1060502315, ClinGen allele CA16611389.

ClinVar aggregate classification (germline): Uncertain significance. Review status: criteria provided, multiple submitters, no conflicts (2 of 4 stars). 6 submissions from 6 submitters: Uncertain significance (6). Last evaluated 2025-12-01.

Conditions:
Long QT syndrome 9 (LQT9). Identifiers: Orphanet 101016, Orphanet 768, MedGen C2678485, MONDO:0012736, OMIM 611818.
Rippling muscle disease 2 (RMD2). Also called: Limb-girdle muscular dystrophy, type 1C; CAV3-Related Rippling Muscle Disease. Identifiers: Orphanet 265, MedGen C1832560, MONDO:0019947, OMIM 606072.
Elevated circulating creatine kinase activity. Also called: Elevated circulating creatine kinase concentration; Elevated creatine kinase; Elevated serum creatine phosphokinase. Identifiers: MedGen C0241005, HP:0003236.
Hypertrophic cardiomyopathy 1 (CMH1). Also called: MYH7-Related Familial Hypertrophic Cardiomyopathy; Familial hypertrophic cardiomyopathy 1. Identifiers: MedGen C3495498, MONDO:0008647, OMIM 192600.
Distal myopathy, Tateyama type (MPDT). Also called: CAV3-Related Distal Myopathy. Identifiers: Orphanet 488650, MedGen C3280443, MONDO:0013686, OMIM 614321.
Long QT syndrome (LQTS). Identifiers: MedGen C0023976, MeSH D008133, MONDO:0002442. Disease mechanism: loss of function. Inheritance: Various modes of inheritance.

Allele frequency attached by ClinVar (database versions not stated): TOPMed below 0.00001; gnomAD exomes 0.00001.
gnomAD v4.1: 3 of 1,614,070 alleles (0.00019%); highest among the groups gnomAD compares: Non-Finnish European, 0.00025%; no homozygotes.

Submissions (6):

CeGaT Center for Human Genetics Tuebingen
Classification: Uncertain significance. Last evaluated: 2025-12-01. Review status: criteria provided, single submitter. Criteria: CeGaT Center For Human Genetics Tuebingen Variant Classification Criteria Version 2. Collection method: clinical testing. Allele origin: germline. Affected: yes. Observed: 1 variant allele.
Comment: CAV3: PM2, PM5, BP5

Labcorp Genetics (formerly Invitae), Labcorp
Classification: Uncertain significance for Long QT syndrome. Last evaluated: 2025-09-30. Review status: criteria provided, single submitter. Criteria: Invitae Variant Classification Sherloc (09022015). Collection method: clinical testing. Allele origin: germline.
Comment: This sequence change replaces serine, which is neutral and polar, with asparagine, which is neutral and polar, at codon 61 of the CAV3 protein (p.Ser61Asn). This variant is not present in population databases (gnomAD no frequency). This variant has not been reported in the literature in individuals affected with CAV3-related conditions. ClinVar contains an entry for this variant (Variation ID: 409254). An algorithm developed to predict the effect of missense changes on protein structure and function (PolyPhen-2) suggests that this variant is likely to be disruptive. In summary, the available evidence is currently insufficient to determine the role of this variant in disease. Therefore, it has been classified as a Variant of Uncertain Significance.

Blueprint Genetics
Classification: Uncertain significance. Last evaluated: 2024-08-09. Review status: criteria provided, single submitter. Criteria: ACMG Guidelines, 2015. Collection method: clinical testing. Allele origin: germline.

Revvity Omics, Revvity
Classification: Uncertain significance. Last evaluated: 2023-02-22. Review status: criteria provided, single submitter. Criteria: ACMG Guidelines, 2015. Collection method: clinical testing. Allele origin: germline.

Fulgent Genetics
Classification: Uncertain significance for Creatine phosphokinase, elevated serum; Hypertrophic cardiomyopathy 1; Rippling muscle disease 2; Long QT syndrome 9; Distal myopathy, Tateyama type. Last evaluated: 2021-07-18. Review status: criteria provided, single submitter. Criteria: ACMG Guidelines, 2015. Collection method: clinical testing. Allele origin: unknown.

Eurofins Ntd Llc (ga)
Classification: Uncertain significance. Last evaluated: 2018-09-12. Review status: criteria provided, single submitter. Criteria: EGL ClinVar v180209 classification definitions. Collection method: clinical testing. Allele origin: germline. Observed: 1 variant allele, 1 heterozygote.